The following is an entry in ClinVar:

ClinVar aggregate classification (germline): Uncertain significance (1 of 4 stars; one submission).

Submission:

Labcorp Genetics (formerly Invitae), Labcorp
Classification: Uncertain significance. Last evaluated: 2025-09-21. Review status: criteria provided, single submitter. Criteria: Invitae Variant Classification Sherloc (09022015). Collection method: clinical testing. Allele origin: germline.
Comment: This sequence change replaces arginine, which is basic and polar, with glycine, which is neutral and non-polar, at codon 36 of the COL11A2 protein (p.Arg36Gly). This variant is not present in population databases (gnomAD no frequency). This variant has not been reported in the literature in individuals affected with COL11A2-related conditions. ClinVar contains an entry for this variant (Variation ID: 1356770). Invitae Evidence Modeling of protein sequence and biophysical properties (such as structural, functional, and spatial information, amino acid conservation, physicochemical variation, residue mobility, and thermodynamic stability) indicates that this missense variant is not expected to disrupt COL11A2 protein function with a negative predictive value of 95%. In summary, the available evidence is currently insufficient to determine the role of this variant in disease. Therefore, it has been classified as a Variant of Uncertain Significance.

NM_080680.3(COL11A2):c.106C>G (p.Arg36Gly)

Gene: COL11A2 (collagen type XI alpha 2 chain; minus strand). Cytogenetic location: 6p21.32.
Variant type: single nucleotide variant.
Coding change: c.106C>G on transcript NM_080680.3 (MANE Select); coding-DNA position 106, C replaced by G.
Protein change: p.Arg36Gly; replaces arginine 36 with glycine.
Molecular consequence: missense variant.
Genome position (GRCh38, 1-based): chr6:33,189,446, G>C on the plus strand (C>G on the coding strand, the complement: COL11A2 is on the minus strand). VCF-style: chr6-33189446-G-C. GRCh37 (hg19) VCF-style: chr6-33157223-G-C.
Other names: c.106C>G, p.Arg36Gly (NM_001163771.2, NM_080679.3, NM_080681.3); short protein forms R36G.
Identifiers: ClinVar variation 1356770 (VCV001356770.8), dbSNP rs118097056, ClinGen allele CA363613454.
Genomic context (GRCh38, chr6:33,189,446, plus strand): 5'-CTGGACAGATGCCTTTCGCTCTCCGGACACCATCAGGGAGGGAGGGGAACCTCAGGGCCC[G>C]GAGCACATCCACAGGGGGTGCACCTGGGAGAGTCCATGATTATCAGGAGAAGGGACATGC-3'
Protein context (NP_542411.2, residues 26-46): WAGAPPVDVL[Arg36Gly]ALRFPSLPDG